The following is an entry in ClinVar:

ClinVar aggregate classification (germline): Uncertain significance (1 of 4 stars; one submission).

Conditions:
Candidiasis, familial, 9 (CANDF9). Identifiers: Orphanet 1334, MedGen C4225324, MONDO:0014642, OMIM 616445.

Submission:

Labcorp Genetics (formerly Invitae), Labcorp
Classification: Uncertain significance for Candidiasis, familial, 9. Last evaluated: 2022-07-19. Review status: criteria provided, single submitter. Criteria: Invitae Variant Classification Sherloc (09022015). Collection method: clinical testing. Allele origin: germline.
Comment: In summary, the available evidence is currently insufficient to determine the role of this variant in disease. Therefore, it has been classified as a Variant of Uncertain Significance. Algorithms developed to predict the effect of missense changes on protein structure and function are either unavailable or do not agree on the potential impact of this missense change (SIFT: "Deleterious"; PolyPhen-2: "Benign"; Align-GVGD: "Class C0"). ClinVar contains an entry for this variant (Variation ID: 1519892). This variant has not been reported in the literature in individuals affected with IL17RC-related conditions. This variant is not present in population databases (gnomAD no frequency). This sequence change replaces glutamine, which is neutral and polar, with proline, which is neutral and non-polar, at codon 214 of the IL17RC protein (p.Gln214Pro).

NM_153460.4(IL17RC):c.428A>C (p.Gln143Pro)

Gene: IL17RC (interleukin 17 receptor C; plus strand). Cytogenetic location: 3p25.3.
Variant type: single nucleotide variant.
Coding change: c.428A>C on transcript NM_153460.4 (MANE Select); coding-DNA position 428, A replaced by C.
Protein change: p.Gln143Pro; replaces glutamine 143 with proline.
Molecular consequence: missense variant. On other transcripts: non-coding transcript variant (1).
Genome position (GRCh38, 1-based): chr3:9,918,572, A>C. VCF-style: chr3-9918572-A-C. GRCh37 (hg19) VCF-style: chr3-9960256-A-C.
Other names: c.428A>C, p.Gln143Pro (NM_001203264.2, NM_001203265.2, NM_001367278.1 and 3 more transcripts); c.353A>C, p.Gln118Pro (NM_001367279.1); c.641A>C, p.Gln214Pro (NM_153461.4); short protein forms Q143P, Q214P, Q118P.
Identifiers: ClinVar variation 1519892 (VCV001519892.8), dbSNP rs1352663763, ClinGen allele CA351756039.